The following is an entry in ClinVar:

ClinVar aggregate classification (germline): Uncertain significance. Review status: criteria provided, multiple submitters, no conflicts (2 of 4 stars). 2 submissions from 2 submitters: Uncertain significance (2). Last evaluated 2025-07-18.

Conditions:
Baller-Gerold syndrome (BGS). Also called: CRANIOSYNOSTOSIS WITH RADIAL DEFECTS. Identifiers: Orphanet 1225, MedGen C0265308, MONDO:0009039, OMIM 218600.
Inborn genetic diseases. Identifiers: MedGen C0950123, MeSH D030342.

Allele frequency attached by ClinVar (database versions not stated): gnomAD exomes below 0.00001.

Submissions (2):

Ambry Genetics
Classification: Uncertain significance for Inborn genetic diseases. Last evaluated: 2025-07-18. Review status: criteria provided, single submitter. Criteria: Ambry Variant Classification Scheme 2023. Collection method: clinical testing. Allele origin: germline.
Comment: The p.G213V variant (also known as c.638G>T), located in coding exon 5 of the RECQL4 gene, results from a G to T substitution at nucleotide position 638. The glycine at codon 213 is replaced by valine, an amino acid with dissimilar properties. This amino acid position is conserved. In addition, this alteration is predicted to be tolerated by in silico analysis. Based on the available evidence, the clinical significance of this variant remains unclear.

Labcorp Genetics (formerly Invitae), Labcorp
Classification: Uncertain significance for Baller-Gerold syndrome. Last evaluated: 2023-04-15. Review status: criteria provided, single submitter. Criteria: Invitae Variant Classification Sherloc (09022015). Collection method: clinical testing. Allele origin: germline.
Comment: This sequence change replaces glycine, which is neutral and non-polar, with valine, which is neutral and non-polar, at codon 213 of the RECQL4 protein (p.Gly213Val). In summary, the available evidence is currently insufficient to determine the role of this variant in disease. Therefore, it has been classified as a Variant of Uncertain Significance. Advanced modeling of protein sequence and biophysical properties (such as structural, functional, and spatial information, amino acid conservation, physicochemical variation, residue mobility, and thermodynamic stability) performed at Invitae indicates that this missense variant is not expected to disrupt RECQL4 protein function. This variant has not been reported in the literature in individuals affected with RECQL4-related conditions. This variant is not present in population databases (gnomAD no frequency).

NM_004260.4(RECQL4):c.638G>T (p.Gly213Val)

Gene: RECQL4 (RecQ like helicase 4; minus strand). Cytogenetic location: 8q24.3.
Variant type: single nucleotide variant.
Coding change: c.638G>T on transcript NM_004260.4 (MANE Select); coding-DNA position 638, G replaced by T.
Protein change: p.Gly213Val; replaces glycine 213 with valine.
Molecular consequence: missense variant. On other transcripts: 5 prime UTR variant (15), non-coding transcript variant (3), intron variant (3).
Genome position (GRCh38, 1-based): chr8:144,516,481, C>A on the plus strand (G>T on the coding strand, the complement: RECQL4 is on the minus strand). VCF-style: chr8-144516481-C-A. GRCh37 (hg19) VCF-style: chr8-145741865-C-A.
Other names: c.-496G>T (NM_001413041.1, NM_001413027.1, NM_001413030.1 and 2 more transcripts); c.-434G>T (NM_001413042.1, NM_001413022.1, NM_001413023.1 and 5 more transcripts); c.-703G>T (NM_001413043.1); c.355-68G>T (NM_001413029.1); c.-366-68G>T (NM_001413021.1, NM_001413028.1); c.638G>T, p.Gly213Val (NM_001413017.1, NM_001413018.1, NM_001413019.1 and 4 more transcripts); c.509G>T, p.Gly170Val (NM_001413025.1); c.-338G>T (NM_001413034.1); and 1 more; short protein forms G213V, G170V.
Identifiers: ClinVar variation 2735060 (VCV002735060.4), dbSNP rs1483707476, ClinGen allele CA372689966.